The following is an entry in ClinVar:

NM_000276.4(OCRL):c.743A>G (p.Asn248Ser)

Gene: OCRL (OCRL inositol polyphosphate-5-phosphatase; plus strand). Cytogenetic location: Xq26.1.
Variant type: single nucleotide variant.
Coding change: c.743A>G on transcript NM_000276.4 (MANE Select); coding-DNA position 743, A replaced by G.
Protein change: p.Asn248Ser; replaces asparagine 248 with serine.
Molecular consequence: missense variant.
Genome position (GRCh38, 1-based): chrX:129,560,570, A>G. VCF-style: chrX-129560570-A-G. GRCh37 (hg19) VCF-style: chrX-128694547-A-G.
Other names: c.746A>G, p.Asn249Ser (NM_001318784.2); c.743A>G, p.Asn248Ser (NM_001587.4); short protein forms N249S, N248S.
Identifiers: ClinVar variation 3651231 (VCV003651231.2).
Genomic context (GRCh38, chrX:129,560,570, plus strand): 5'-GATCTTTGTTTTCAAATTATCTTTTCGTATTATGTATTAGATTTTTTGTTGGAACTTGGA[A>G]TGTGAATGGCCAGTCTCCAGATAGCGGGTTAGAACCTTGGCTGAACTGTGATCCCAATCC-3'
Protein context (NP_000267.2, residues 238-258): QTFRFFVGTW[Asn248Ser]VNGQSPDSGL

ClinVar aggregate classification (germline): Uncertain significance (1 of 4 stars; one submission).

Conditions:
Lowe syndrome (OCRL). Also called: LOWE OCULOCEREBRORENAL SYNDROME; PHOSPHATIDYLINOSITOL 4,5-BISPHOSPHATE 5-PHOSPHATASE DEFICIENCY; Oculocerebrorenal Syndrome. Identifiers: Orphanet 534, MedGen C0028860, MONDO:0010645, OMIM 309000.

Submission:

Labcorp Genetics (formerly Invitae), Labcorp
Classification: Uncertain significance for Lowe syndrome. Last evaluated: 2024-04-26. Review status: criteria provided, single submitter. Criteria: Invitae Variant Classification Sherloc (09022015). Collection method: clinical testing. Allele origin: germline.
Comment: This sequence change replaces asparagine, which is neutral and polar, with serine, which is neutral and polar, at codon 248 of the OCRL protein (p.Asn248Ser). This variant is not present in population databases (gnomAD no frequency). This variant has not been reported in the literature in individuals affected with OCRL-related conditions. Advanced modeling of protein sequence and biophysical properties (such as structural, functional, and spatial information, amino acid conservation, physicochemical variation, residue mobility, and thermodynamic stability) performed at Invitae indicates that this missense variant is expected to disrupt OCRL protein function with a positive predictive value of 95%. In summary, the available evidence is currently insufficient to determine the role of this variant in disease. Therefore, it has been classified as a Variant of Uncertain Significance.